The following is an entry in ClinVar:

NM_001042492.3(NF1):c.8216T>C (p.Ile2739Thr)

Gene: NF1 (neurofibromin 1; plus strand). Cytogenetic location: 17q11.2.
Variant type: single nucleotide variant.
Coding change: c.8216T>C on transcript NM_001042492.3 (MANE Select); coding-DNA position 8216, T replaced by C.
Protein change: p.Ile2739Thr; replaces isoleucine 2739 with threonine.
Molecular consequence: missense variant.
Genome position (GRCh38, 1-based): chr17:31,360,542, T>C. VCF-style: chr17-31360542-T-C. GRCh37 (hg19) VCF-style: chr17-29687560-T-C.
Other names: c.8153T>C, p.Ile2718Thr (NM_000267.4); short protein forms I2718T, I2739T.
Identifiers: ClinVar variation 184299 (VCV000184299.21), dbSNP rs752541243, ClinGen allele CA188528.

ClinVar aggregate classification (germline): Conflicting classifications of pathogenicity. Review status: criteria provided, conflicting classifications (1 of 4 stars). 9 submissions from 8 submitters: Uncertain significance (6); Likely benign (3). Last evaluated 2026-02-04.

Conditions:
NF1-related disorder. Also called: NF1-related condition. Identifiers: MedGen CN379171.
Cardiovascular phenotype. Identifiers: MedGen CN230736.
Hereditary cancer-predisposing syndrome. Also called: Neoplastic Syndromes, Hereditary; Tumor predisposition; Hereditary neoplastic syndrome; Hereditary Cancer Syndrome. Identifiers: Orphanet 140162, MedGen C0027672, MeSH D009386, MONDO:0015356.
Neurofibromatosis, type 1 (NF1). Also called: VON RECKLINGHAUSEN DISEASE; Peripheral type neurofibromatosis; Neurofibromatosis, type I; NEUROFIBROMATOSIS, TYPE I, SOMATIC. Identifiers: Orphanet 636, MedGen C0027831, MONDO:0018975, OMIM 162200. Disease mechanism: loss of function.

Allele frequency attached by ClinVar (database versions not stated): gnomAD 0.00003; TOPMed 0.00003; ExAC 0.00005; gnomAD exomes 0.00005 and 0.00006.
gnomAD v4.1: 84 of 1,614,022 alleles (0.0052%); highest among the groups gnomAD compares: Non-Finnish European, 0.0062%; no homozygotes.

Submissions (9):

Labcorp Genetics (formerly Invitae), Labcorp
Classification: Likely benign for Neurofibromatosis, type 1. Last evaluated: 2026-02-04. Review status: criteria provided, single submitter. Criteria: Invitae Variant Classification Sherloc (09022015). Collection method: clinical testing. Allele origin: germline.

PreventionGenetics, part of Exact Sciences
Classification: Uncertain significance for NF1-related condition. Last evaluated: 2025-04-20. Review status: criteria provided, single submitter. Criteria: ACMG Guidelines, 2015. Collection method: clinical testing. Allele origin: germline.
Comment: The NF1 c.8216T>C variant is predicted to result in the amino acid substitution p.Ile2739Thr. This variant is also known as c.8153T>C (p.Ile2718Thr) on the primary hereditary cancer transcript NM_000267.3. This variant was reported in equal number cases and controls in a large breast cancer association study (Supplemental Data, Breast Cancer Association Consortium et al. 2021. PubMed ID: 33471991). This variant is reported in 0.020% of alleles in individuals of European (Finnish) descent in gnomAD and has conflicting interpretation of pathogenicity in ClinVar ranging from uncertain to likely benign. Although we suspect that this variant may be benign, at this time, the clinical significance of this variant is uncertain due to the absence of conclusive functional and genetic evidence.

Center for Genomic Medicine, Rigshospitalet, Copenhagen University Hospital
Classification: Uncertain significance. Last evaluated: 2025-03-04. Review status: criteria provided, single submitter. Criteria: ACMG Guidelines, 2015. Collection method: clinical testing. Allele origin: germline.

Blueprint Genetics
Classification: Likely benign. Last evaluated: 2024-02-09. Review status: criteria provided, single submitter. Criteria: ACMG Guidelines, 2015. Collection method: clinical testing. Allele origin: germline.

GeneDx
Classification: Uncertain significance. Last evaluated: 2022-12-13. Review status: criteria provided, single submitter. Criteria: GeneDx Variant Classification Process June 2021. Collection method: clinical testing. Allele origin: germline. Affected: yes.
Comment: In silico analysis supports that this missense variant has a deleterious effect on protein structure/function; Observed in individuals with renal cancer (Yehia et al., 2018); This variant is associated with the following publications: (PMID: 25486365, 29684080)

Genome-Nilou Lab
Classification: Uncertain significance for Neurofibromatosis, type 1. Last evaluated: 2022-03-15. Review status: criteria provided, single submitter. Criteria: ACMG Guidelines, 2015. Collection method: clinical testing. Allele origin: germline. Affected: no.

Sema4
Classification: Uncertain significance for Hereditary cancer-predisposing syndrome. Last evaluated: 2021-07-12. Review status: criteria provided, single submitter. Criteria: Sema4 Curation Guidelines. Collection method: curation. Allele origin: germline.
Comment: The NF1 c.8153T>C (p.I2718T) variant has been reported in individuals with breast cancer and in ethnically matched, unaffected controls (PMID: 33471991). It was observed in 5/25120 chromosomes of the Finnish subpopulation in the large and broad cohorts of the Genome Aggregation Database (PMID: 32461654). The variant has been reported in ClinVar (Variation ID: 184299). Functional studies have not been performed and in silico tool predictions of the variants effect on protein function are inconclusive. The evidence is insufficient to meet ACMG/AMP criteria for classifying the variant as benign or pathogenic. Thus, the clinical significance of this variant is currently uncertain.

Ambry Genetics
Classification: Likely benign for Cardiovascular phenotype; Hereditary cancer-predisposing syndrome. Last evaluated: 2020-07-22. Review status: criteria provided, single submitter. Criteria: Ambry Variant Classification Scheme 2023. Collection method: clinical testing. Allele origin: germline.

Ambry Genetics
Classification: Uncertain significance for Hereditary cancer-predisposing syndrome. Last evaluated: 2016-02-04. Review status: criteria provided, single submitter. Criteria: Ambry Autosomal Dominant and X-Linked criteria (10/2015). Collection method: clinical testing. Allele origin: germline. Observed: 1 variant allele.
Comment: Ã¢â‚¬â€¹<span style="background-color:initial">Thep.I2739T<span style="background-color:initial"> variant (also known as c.8216T>C), located in coding exon 57 of theNF1<span style="background-color:initial"> gene, results from a T to C substitution at nucleotide position 8216. The isoleucine at codon 2739 is replaced by threonine, an amino acid with similar properties. This variant was not reported in population based cohorts in the following databases: Database of Single Nucleotide Polymorphisms (dbSNP), NHLBI Exome Sequencing Project (ESP), and 1000 Genomes Project. In the ESP, this variant was not observed in 6503 samples (13006 alleles) with coverage at this position. To date, this alteration has been detected with an allele frequency of approximately 0.04% (greater than 110000 alleles tested) in our clinical cohort. This amino acid position is highly conserved in available vertebrate species. In addition, this alteration is predicted to be benign and deleterious by PolyPhen and SIFTin silico<span style="background-color:initial"> analyses, respectively. Since supporting evidence is limited at this time, the clinical significance of p.I2739T remains unclear.

Literature cited by the submitters: PubMed 33471991 (cited by Sema4).